The following is an entry in ClinVar:

NM_145290.4(ADGRA3):c.3477A>T (p.Glu1159Asp)

Gene: ADGRA3 (adhesion G protein-coupled receptor A3; minus strand). Cytogenetic location: 4p15.2.
Variant type: single nucleotide variant.
Coding change: c.3477A>T on transcript NM_145290.4 (MANE Select); coding-DNA position 3477, A replaced by T.
Protein change: p.Glu1159Asp; replaces glutamic acid 1159 with aspartic acid.
Molecular consequence: missense variant.
Genome position (GRCh38, 1-based): chr4:22,388,194, T>A on the plus strand (A>T on the coding strand, the complement: ADGRA3 is on the minus strand). VCF-style: chr4-22388194-T-A. GRCh37 (hg19) VCF-style: chr4-22389817-T-A.
Other names: short protein forms E1159D.
Identifiers: ClinVar variation 3680014 (VCV003680014.2).

ClinVar aggregate classification (germline): Uncertain significance (1 of 4 stars; one submission).

gnomAD v4.1: 7 of 1,614,118 alleles (0.00043%); highest among the groups gnomAD compares: Non-Finnish European, 0.00051%; no homozygotes.

Submission:

Labcorp Genetics (formerly Invitae), Labcorp
Classification: Uncertain significance. Last evaluated: 2024-05-23. Review status: criteria provided, single submitter. Criteria: Invitae Variant Classification Sherloc (09022015). Collection method: clinical testing. Allele origin: germline.
Comment: This sequence change replaces glutamic acid, which is acidic and polar, with aspartic acid, which is acidic and polar, at codon 1159 of the ADGRA3 protein (p.Glu1159Asp). This variant is not present in population databases (gnomAD no frequency). This variant has not been reported in the literature in individuals affected with ADGRA3-related conditions. Algorithms developed to predict the effect of missense changes on protein structure and function output the following: SIFT: "Not Available"; PolyPhen-2: "Benign"; Align-GVGD: "Not Available". The aspartic acid amino acid residue is found in multiple mammalian species, which suggests that this missense change does not adversely affect protein function. In summary, the available evidence is currently insufficient to determine the role of this variant in disease. Therefore, it has been classified as a Variant of Uncertain Significance.